The following is an entry in ClinVar:

NM_003108.4(SOX11):c.425C>G (p.Ala142Gly)

Gene: SOX11 (SRY-box transcription factor 11; plus strand). Cytogenetic location: 2p25.2.
Variant type: single nucleotide variant.
Coding change: c.425C>G on transcript NM_003108.4 (MANE Select); coding-DNA position 425, C replaced by G.
Protein change: p.Ala142Gly; replaces alanine 142 with glycine.
Molecular consequence: missense variant.
Genome position (GRCh38, 1-based): chr2:5,693,146, C>G. VCF-style: chr2-5693146-C-G. GRCh37 (hg19) VCF-style: chr2-5833278-C-G.
Other names: short protein forms A142G.
Identifiers: ClinVar variation 2443026 (VCV002443026.1), dbSNP rs1252271637, ClinGen allele CA345866690.
Genomic context (GRCh38, chr2:5,693,146, plus strand): 5'-AAAAGCCCAAAATGGACCCCTCGGCCAAGCCCAGCGCCAGCCAGAGCCCAGAGAAGAGCG[C>G]GGCCGGCGGCGGCGGCGGGAGCGCGGGCGGAGGCGCGGGCGGTGCCAAGACCTCCAAGGG-3'
Protein context (NP_003099.1, residues 132-152): PSASQSPEKS[Ala142Gly]AGGGGGSAGG

ClinVar aggregate classification (germline): Uncertain significance (1 of 4 stars; one submission).

Conditions:
Intellectual developmental disorder with microcephaly and with or without ocular malformations or hypogonadotropic hypogonadism. Also called: Intellectual disability, autosomal dominant 27; Coffin-Siris Syndrome 9. Identifiers: Orphanet 1465, MedGen C4014528, MONDO:0014376, OMIM 615866.

Submission:

SIB Swiss Institute of Bioinformatics
Classification: Uncertain significance for Intellectual developmental disorder with microcephaly and with or without ocular malformations or hypogonadotropic hypogonadism. Last evaluated: 2023-03-09. Review status: criteria provided, single submitter. Criteria: ACMG Guidelines, 2015. Collection method: curation. Allele origin: unknown.
Comment: This variant is interpreted as a variant of uncertain significance for Intellectual developmental disorder with microcephaly and with or without ocular malformations or hypogonadotropic hypogonadism, autosomal dominant. The following ACMG Tag(s) were applied: Absent from controls (or at extremely low frequency if recessive) in Exome Sequencing Project, 1000 Genomes Project, or Exome Aggregation Consortium (PM2); De novo paternity and maternity not confirmed (PM6).

Literature cited by the submitters: PubMed 35938035.